The following is an entry in ClinVar:

ClinVar aggregate classification (germline): Pathogenic (1 of 4 stars; one submission).

Allele frequency attached by ClinVar (database versions not stated): gnomAD exomes below 0.00001.

Submission:

Labcorp Genetics (formerly Invitae), Labcorp
Classification: Pathogenic. Last evaluated: 2020-09-16. Review status: criteria provided, single submitter. Criteria: Invitae Variant Classification Sherloc (09022015). Collection method: clinical testing. Allele origin: germline.
Comment: For these reasons, this variant has been classified as Pathogenic. Loss-of-function variants in RCBTB1 are known to be pathogenic (PMID: 31494449). This variant has not been reported in the literature in individuals with RCBTB1-related conditions. This variant is not present in population databases (ExAC no frequency). This sequence change creates a premature translational stop signal (p.Ile441Tyrfs*12) in the RCBTB1 gene. It is expected to result in an absent or disrupted protein product.

Literature cited by the submitters: PubMed 31494449.

NM_018191.4(RCBTB1):c.1320dup (p.Ile441fs)

Gene: RCBTB1 (RCC1 and BTB domain containing protein 1; minus strand). Cytogenetic location: 13q14.2.
Variant type: Duplication.
Coding change: c.1320dup on transcript NM_018191.4 (MANE Select); coding-DNA position 1320, one base duplicated (T; older notation c.1320dupT).
Protein change: p.Ile441fs; shifts the reading frame from isoleucine 441.
Molecular consequence: frameshift variant. On other transcripts: non-coding transcript variant (2).
Genome position (GRCh38, 1-based): chr13:49,541,680, A duplicated on the plus strand (T on the coding strand, the reverse complement: RCBTB1 is on the minus strand). VCF-style (leftmost placement, unchanged base first): chr13-49541679-T-TA. GRCh37 (hg19) VCF-style: chr13-50115815-T-TA.
Other names: c.1320dup, p.Ile441fs (NM_001352500.2, NM_001352501.2, NM_001352502.2 and 2 more transcripts); c.741dup, p.Ile248fs (NM_001352506.2); short protein forms I248fs, I441fs.
Identifiers: ClinVar variation 1076839 (VCV001076839.7), dbSNP rs1566215888, ClinGen allele CA609606839.